The following is an entry in ClinVar:

ClinVar aggregate classification (germline): Pathogenic (0 of 4 stars; one submission).

Submissions (2):

Dr. Peter K. Rogan Lab, Western University
No classification provided (evidence only). Condition: Nonpapillary renal cell carcinoma. Review status: no classification provided. Collection method: in vitro. Allele origin: not applicable. Functional consequence: retained intron. Not counted in ClinVar's aggregate classification.

GenMed Metabolism Lab
Classification: Pathogenic. Review status: no assertion criteria provided. Collection method: not provided. Allele origin: unknown.
Comment: p.Gln78X, Neonatal
ClinVar note: Converted during submission from pathogenic to Pathogenic.

NM_000531.6(OTC):c.232C>T (p.Gln78Ter)

Gene: OTC (ornithine transcarbamylase; plus strand). Cytogenetic location: Xp11.4.
Variant type: single nucleotide variant.
Coding change: c.232C>T on transcript NM_000531.6 (MANE Select); coding-DNA position 232, C replaced by T.
Protein change: p.Gln78Ter; replaces glutamine 78 with a stop codon.
Molecular consequence: nonsense.
Genome position (GRCh38, 1-based): chrX:38,369,811, C>T. VCF-style: chrX-38369811-C-T. GRCh37 (hg19) VCF-style: chrX-38229064-C-T.
Other names: NC_000023.10:g.38229064C>T; short protein forms Q78*.
Identifiers: ClinVar variation 97139 (VCV000097139.3), dbSNP rs72554330, ClinGen allele CA224509.